The following is an entry in ClinVar:

NM_006005.3(WFS1):c.2273A>G (p.Lys758Arg)

Gene: WFS1 (wolframin ER transmembrane glycoprotein; plus strand). Cytogenetic location: 4p16.1.
Variant type: single nucleotide variant.
Coding change: c.2273A>G on transcript NM_006005.3 (MANE Select); coding-DNA position 2273, A replaced by G.
Protein change: p.Lys758Arg; replaces lysine 758 with arginine.
Molecular consequence: missense variant.
Genome position (GRCh38, 1-based): chr4:6,302,068, A>G. VCF-style: chr4-6302068-A-G. GRCh37 (hg19) VCF-style: chr4-6303795-A-G.
Other names: c.2273A>G, p.Lys758Arg (NM_001145853.1); short protein forms K758R.
Identifiers: ClinVar variation 2176793 (VCV002176793.5), dbSNP rs1730954836, ClinGen allele CA356178267.
Genomic context (GRCh38, chr4:6,302,068, plus strand): 5'-CCTACCCTGCCTGCAGCCCTGGCAACACCTCCACGGCCGAGGAGGAGCTCTGTCGCCTTA[A>G]GCTGCTGGCCAAGCACCCCTGCCACATCAAGAAGTTCGACCGCTACAAGTTTGAGATTAC-3'
Protein context (NP_005996.2, residues 748-768): STAEEELCRL[Lys758Arg]LLAKHPCHIK

ClinVar aggregate classification (germline): Uncertain significance. Review status: criteria provided, multiple submitters, no conflicts (2 of 4 stars). 2 submissions from 2 submitters: Uncertain significance (2). Last evaluated 2026-01-14.

Conditions:
Inborn genetic diseases. Identifiers: MedGen C0950123, MeSH D030342.

Submissions (2):

Ambry Genetics
Classification: Uncertain significance for Inborn genetic diseases. Last evaluated: 2026-01-14. Review status: criteria provided, single submitter. Criteria: Ambry Variant Classification Scheme 2023. Collection method: clinical testing. Allele origin: germline.

Labcorp Genetics (formerly Invitae), Labcorp
Classification: Uncertain significance. Last evaluated: 2021-12-23. Review status: criteria provided, single submitter. Criteria: Invitae Variant Classification Sherloc (09022015). Collection method: clinical testing. Allele origin: germline.
Comment: This sequence change replaces lysine, which is basic and polar, with arginine, which is basic and polar, at codon 758 of the WFS1 protein (p.Lys758Arg). This variant is not present in population databases (gnomAD no frequency). This variant has not been reported in the literature in individuals affected with WFS1-related conditions. Advanced modeling of protein sequence and biophysical properties (such as structural, functional, and spatial information, amino acid conservation, physicochemical variation, residue mobility, and thermodynamic stability) performed at Invitae indicates that this missense variant is not expected to disrupt WFS1 protein function. Algorithms developed to predict the effect of sequence changes on RNA splicing suggest that this variant may create or strengthen a splice site. In summary, the available evidence is currently insufficient to determine the role of this variant in disease. Therefore, it has been classified as a Variant of Uncertain Significance.